The following is an entry in ClinVar:

ClinVar aggregate classification (germline): Uncertain significance. Review status: criteria provided, multiple submitters, no conflicts (2 of 4 stars). 2 submissions from 2 submitters: Uncertain significance (2). Last evaluated 2025-03-28.

Conditions:
Inborn genetic diseases. Identifiers: MedGen C0950123, MeSH D030342.

Allele frequency attached by ClinVar (database versions not stated): ExAC 0.00001; gnomAD exomes 0.00003 and 0.00005; gnomAD 0.00004; TOPMed 0.00004; ESP Exome Variant Server 0.00008.
gnomAD v4.1: 78 of 1,612,988 alleles (0.0048%); highest among the groups gnomAD compares: Non-Finnish European, 0.0064%; no homozygotes.

Submissions (2):

Ambry Genetics
Classification: Uncertain significance for Inborn genetic diseases. Last evaluated: 2025-03-28. Review status: criteria provided, single submitter. Criteria: Ambry Variant Classification Scheme 2023. Collection method: clinical testing. Allele origin: germline.

Labcorp Genetics (formerly Invitae), Labcorp
Classification: Uncertain significance. Last evaluated: 2022-08-23. Review status: criteria provided, single submitter. Criteria: Invitae Variant Classification Sherloc (09022015). Collection method: clinical testing. Allele origin: germline.
Comment: This sequence change replaces aspartic acid, which is acidic and polar, with asparagine, which is neutral and polar, at codon 90 of the RBPJ protein (p.Asp90Asn). This variant is present in population databases (rs147349346, gnomAD 0.005%). This variant has not been reported in the literature in individuals affected with RBPJ-related conditions. ClinVar contains an entry for this variant (Variation ID: 1429862). Algorithms developed to predict the effect of missense changes on protein structure and function are either unavailable or do not agree on the potential impact of this missense change (SIFT: "Deleterious"; PolyPhen-2: "Benign"; Align-GVGD: "Class C0"). In summary, the available evidence is currently insufficient to determine the role of this variant in disease. Therefore, it has been classified as a Variant of Uncertain Significance.

NM_015874.6(RBPJ):c.229G>A (p.Asp77Asn)

Gene: RBPJ (recombination signal binding protein for immunoglobulin kappa J region; plus strand). Cytogenetic location: 4p15.2.
Variant type: single nucleotide variant.
Coding change: c.229G>A on transcript NM_015874.6 (MANE Select); coding-DNA position 229, G replaced by A.
Protein change: p.Asp77Asn; replaces aspartic acid 77 with asparagine.
Molecular consequence: missense variant.
Genome position (GRCh38, 1-based): chr4:26,415,548, G>A. VCF-style: chr4-26415548-G-A. GRCh37 (hg19) VCF-style: chr4-26417170-G-A.
Other names: c.163G>A, p.Asp55Asn (NM_001363577.2, NM_203283.5); c.268G>A, p.Asp90Asn (NM_001374400.1, NM_001379408.1, NM_005349.4); c.226G>A, p.Asp76Asn (NM_001374401.1, NM_001374402.1, NM_001374403.1 and 3 more transcripts); c.223G>A, p.Asp75Asn (NM_001379409.1); c.268G>A (NM_005349.2); short protein forms D77N, D76N, D90N, D55N, D75N.
Identifiers: ClinVar variation 1429862 (VCV001429862.9), dbSNP rs147349346, ClinGen allele CA2881317.